The following is an entry in ClinVar:

ClinVar aggregate classification (germline): Likely pathogenic (1 of 4 stars; one submission).

Conditions:
Cardiovascular phenotype. Identifiers: MedGen CN230736.

Submission:

Ambry Genetics
Classification: Likely pathogenic for Cardiovascular phenotype. Last evaluated: 2025-03-10. Review status: criteria provided, single submitter. Criteria: Ambry Variant Classification Scheme 2023. Collection method: clinical testing. Allele origin: germline.
Comment: The c.237+1G>A intronic alteration consists of a G to A substitution one nucleotide(s) after coding exon 3 of the APOB gene. Alterations that disrupt the canonical splice site are expected to cause aberrant splicing, resulting in an abnormal protein or a transcript that is subject to nonsense-mediated mRNA decay. for autosomal recessive APOB-related hypobetalipoproteinemia; however, it is unlikely to be causative of autosomal dominant APOB-related familial hypercholesterolemia. This variant was not reported in population-based cohorts in the Genome Aggregation Database (gnomAD). This variant has been reported in a proband with low LDL-C and was absent in the proband's unaffected mother (Rabacchi, 2019). In silico splice site analysis predicts that this alteration will weaken the native splice donor site. Based on the available evidence, this alteration is classified as likely pathogenic.

Literature cited by the submitters: PubMed 31629702.

NM_000384.3(APOB):c.237+1G>A

Genes: APOB (apolipoprotein B; minus strand), LOC106560211 (APOB 5' regulatory region; plus strand). Cytogenetic location: 2p24.1.
Variant type: single nucleotide variant.
Coding change: c.237+1G>A on transcript NM_000384.3 (MANE Select); the canonical splice donor site of the intron after coding-DNA position 237, G replaced by A.
Molecular consequence: splice donor variant.
Genome position (GRCh38, 1-based): chr2:21,042,360, C>T on the plus strand (G>A on the coding strand, the complement: APOB is on the minus strand). VCF-style: chr2-21042360-C-T. GRCh37 (hg19) VCF-style: chr2-21265232-C-T.
Identifiers: ClinVar variation 3885619 (VCV003885619.1).